The following is an entry in ClinVar:

ClinVar aggregate classification (germline): Benign/Likely benign. Review status: criteria provided, multiple submitters, no conflicts (2 of 4 stars). 25 submissions from 24 submitters: Benign (17); Likely benign (6). 2 of the submissions do not count toward it. Last evaluated 2026-10-01.

Conditions:
Left ventricular noncompaction 10 (LVNC10). Identifiers: Orphanet 154, Orphanet 54260, MedGen C3715165, MONDO:0014163, OMIM 615396.
Hypertrophic cardiomyopathy 4. Also called: Familial hypertrophic cardiomyopathy 4. Identifiers: MedGen C1861862, MONDO:0007268, OMIM 115197.
Cardiovascular phenotype. Identifiers: MedGen CN230736.
Primary dilated cardiomyopathy (DCM). Also called: Dilated Cardiomyopathy. Identifiers: Orphanet 217604, MedGen C0007193, MeSH D002311, MONDO:0005021, HP:0001644. Inheritance: Various modes of inheritance.
Cardiomyopathy (CMYO). Also called: Cardiomyopathies. Identifiers: Orphanet 167848, MedGen C0878544, MONDO:0004994, HP:0001638. Inheritance: Various modes of inheritance.
Primary familial hypertrophic cardiomyopathy (HCM). Identifiers: Orphanet 99739, MedGen C0949658, MeSH D024741, MONDO:0024573. Inheritance: Various modes of inheritance.
Hypertrophic cardiomyopathy. Also called: HYPERTROPHIC MYOCARDIOPATHY. Identifiers: Orphanet 217569, MedGen C0007194, MeSH D002312, MONDO:0005045, HP:0001639.

Allele frequency attached by ClinVar (database versions not stated): TOPMed 0.00511; 1000 Genomes Project 0.00619; 1000 Genomes Project 30x 0.00625; gnomAD exomes 0.00708 and 0.00147; ExAC 0.00524; gnomAD 0.00261 and 0.00247.
gnomAD v4.1: 2,510 of 1,571,272 alleles (0.16%); highest among the groups gnomAD compares: Admixed American, 3.3%; 55 homozygotes.

Submissions (25):

CeGaT Center for Human Genetics Tuebingen
Classification: Benign. Last evaluated: 2026-10-01. Review status: criteria provided, single submitter. Criteria: CeGaT Center For Human Genetics Tuebingen Variant Classification Criteria Version 2. Collection method: clinical testing. Allele origin: germline. Affected: yes. Observed: 61 variant alleles.
Comment: MYBPC3: PM5, BP4, BS1, BS2

Labcorp Genetics (formerly Invitae), Labcorp
Classification: Benign for Hypertrophic cardiomyopathy. Last evaluated: 2026-02-03. Review status: criteria provided, single submitter. Criteria: Invitae Variant Classification Sherloc (09022015). Collection method: clinical testing. Allele origin: germline.

Dasa
Classification: Benign. Last evaluated: 2025-12-09. Review status: criteria provided, single submitter. Criteria: DASA Assertion Criteria. Collection method: clinical testing. Allele origin: germline.
Comment: NM_000256.3(MYBPC3):c.2992C>G (p.Gln998Glu) is a missense variant that results in the substitution of glutamine with glutamic acid. Population frequency is inconsistent with a disease-causing role for this variant, and observations in unaffected individuals support a benign interpretation. Therefore, based on the currently available evidence, this variant is classified as benign.

Molecular Diagnostic Laboratory for Inherited Cardiovascular Disease, Montreal Heart Institute
Classification: Likely benign. Last evaluated: 2025-04-08. Review status: criteria provided, single submitter. Criteria: ACMG Guidelines, 2015. Collection method: clinical testing. Allele origin: germline. Affected: no.

ARUP Laboratories, Molecular Genetics and Genomics, ARUP Laboratories
Classification: Benign. Last evaluated: 2025-02-28. Review status: criteria provided, single submitter. Criteria: ARUP Molecular Germline Variant Investigation Process 2024. Collection method: clinical testing. Allele origin: germline.

Fulgent Genetics
Classification: Benign for Hypertrophic cardiomyopathy 4; Left ventricular noncompaction 10. Last evaluated: 2022-04-01. Review status: criteria provided, single submitter. Criteria: ACMG Guidelines, 2015. Collection method: clinical testing. Allele origin: unknown.

Center for Advanced Laboratory Medicine, UC San Diego Health, University of California San Diego
Classification: Benign for Dilated cardiomyopathy; Cardiomyopathy. Last evaluated: 2019-06-11. Review status: criteria provided, single submitter. Criteria: ACMG Guidelines, 2015. Collection method: clinical testing. Allele origin: germline. Affected: yes. Observed: 5 variant alleles.

Mendelics
Classification: Benign for Hypertrophic cardiomyopathy 4. Last evaluated: 2019-05-28. Review status: criteria provided, single submitter. Criteria: Mendelics Assertion Criteria 2017. Collection method: clinical testing. Allele origin: unknown.

GeneDx
Classification: Benign. Last evaluated: 2018-12-05. Review status: criteria provided, single submitter. Criteria: GeneDx Variant Classification Process June 2021. Collection method: clinical testing. Allele origin: germline. Affected: yes.
Comment: This variant is associated with the following publications: (PMID: 28498465, 22763267, 15519027, 27650965, 26332594, 31918855)

Athena Diagnostics
Classification: Benign. Last evaluated: 2018-06-06. Review status: criteria provided, single submitter. Criteria: Athena Diagnostics Criteria. Collection method: clinical testing. Allele origin: germline.

Color Diagnostics, LLC DBA Color Health
Classification: Benign for Cardiomyopathy. Last evaluated: 2018-03-09. Review status: criteria provided, single submitter. Criteria: ACMG Guidelines, 2015. Collection method: clinical testing. Allele origin: germline.

Illumina Laboratory Services, Illumina
Classification: Likely benign for Hypertrophic cardiomyopathy 4. Last evaluated: 2018-01-29. Review status: criteria provided, single submitter. Criteria: ICSL Variant Classification Criteria 13 December 2019. Collection method: clinical testing. Allele origin: germline.
Comment: This variant was observed as part of a predisposition screen in an ostensibly healthy population. A literature search was performed for the gene, cDNA change, and amino acid change (where applicable). Publications were found based on this search. The evidence from the literature, in combination with allele frequency data from public databases where available, was sufficient to determine this variant is unlikely to cause disease. Therefore, this variant is classified as likely benign.

Illumina Laboratory Services, Illumina
Classification: Likely benign for Left ventricular noncompaction 10. Last evaluated: 2018-01-29. Review status: criteria provided, single submitter. Criteria: ICSL Variant Classification Criteria 13 December 2019. Collection method: clinical testing. Allele origin: germline.
Comment: This variant was observed as part of a predisposition screen in an ostensibly healthy population. A literature search was performed for the gene, cDNA change, and amino acid change (where applicable). No publications were found based on this search. Allele frequency data from public databases allowed determination this variant is unlikely to cause disease. Therefore, this variant is classified as likely benign.

Laboratory for Molecular Medicine, Mass General Brigham Personalized Medicine
Classification: Benign. Last evaluated: 2017-07-10. Review status: criteria provided, single submitter. Criteria: LMM Criteria. Collection method: clinical testing. Allele origin: germline. Observed: 28 variant alleles.
Comment: p.Gln998Glu in exon 28 of MYBPC3: This variant is not expected to have clinical significance because it has been identified in 9% (90/1000) of Latino chromosome s by the Exome Aggregation Consortium (ExAC; dbS NP rs11570112).

Clinical Genetics DNA and cytogenetics Diagnostics Lab, Erasmus MC, Erasmus Medical Center
Classification: Benign for Hypertrophic cardiomyopathy 4. Last evaluated: 2017-05-31. Review status: criteria provided, single submitter. Criteria: ACGS Guidelines, 2013. Collection method: clinical testing. Allele origin: germline. Affected: yes. Study: VKGL Data-share Consensus.

Eurofins Ntd Llc (ga)
Classification: Benign. Last evaluated: 2016-11-30. Review status: criteria provided, single submitter. Criteria: EGL Classification Definitions 2015. Collection method: clinical testing. Allele origin: germline. Observed: 2 variant alleles, 2 heterozygotes.

Genome Diagnostics Laboratory, University Medical Center Utrecht
Classification: Benign for Hypertrophic cardiomyopathy 4. Last evaluated: 2016-05-19. Review status: criteria provided, single submitter. Criteria: ACGS Guidelines, 2013. Collection method: clinical testing. Allele origin: germline. Affected: yes. Study: VKGL Data-share Consensus.

Stanford Center for Inherited Cardiovascular Disease, Stanford University
Classification: Likely benign. Last evaluated: 2016-03-16. Review status: criteria provided, single submitter. Criteria: ACMG Guidelines, 2015. Collection method: provider interpretation. Allele origin: germline.

Mayo Clinic Laboratories, Mayo Clinic
Classification: Benign. Last evaluated: 2016-02-24. Review status: criteria provided, single submitter. Criteria: ACMG Guidelines, 2015. Collection method: clinical testing. Allele origin: germline. Observed: 7 variant alleles.

Ambry Genetics
Classification: Benign for Cardiovascular phenotype. Last evaluated: 2015-09-29. Review status: criteria provided, single submitter. Criteria: Ambry Variant Classification Scheme 2023. Collection method: clinical testing. Allele origin: germline.

Biesecker Lab/Clinical Genomics Section, National Institutes of Health
Classification: Benign for Cardiomyopathy, hypertrophic. Last evaluated: 2013-06-24. Review status: criteria provided, single submitter. Criteria: Ng et al. (Circ Cardiovasc Genet. 2013). Collection method: research. Allele origin: unknown. Observed: 3 variant alleles. Study: ClinSeq.
Comment: The study set was not selected for affection status in relation to any cancer. Pathogenicity categories were based on literature curation. See Pubmed ID:23861362 for details.

Medical sequencing

Breakthrough Genomics
Classification: Likely benign. Review status: criteria provided, single submitter. Criteria: ACMG Guidelines, 2015. Collection method: not provided. Allele origin: germline. Inheritance: Autosomal dominant inheritance. Affected: yes.

Laboratory of Genetics and Molecular Cardiology, University of São Paulo
Classification: Likely benign. Review status: criteria provided, single submitter. Criteria: LGCM Criteria August 2015. Collection method: clinical testing. Allele origin: germline. Affected: yes. Observed: 2 variant alleles. Study: Sarcomeric Human Cardiomyopathy Registry (ShaRe).

Women's Health and Genetics/Laboratory Corporation of America, LabCorp
Classification: Benign for Primary dilated cardiomyopathy. Last evaluated: 2015-05-27. Review status: no assertion criteria provided. Collection method: clinical testing. Allele origin: germline. Not counted in ClinVar's aggregate classification.

Clinical Genetics, Academic Medical Center
Classification: Benign. Review status: no assertion criteria provided. Collection method: clinical testing. Allele origin: germline. Affected: yes. Study: VKGL Data-share Consensus. Not counted in ClinVar's aggregate classification.

Literature cited by the submitters: PubMed 15519027 (cited by 4 submitters); PubMed 27650965 (cited by Athena Diagnostics); PubMed 22763267 (cited by Athena Diagnostics); PubMed 26332594 (cited by Athena Diagnostics); PubMed 28498465 (cited by Athena Diagnostics); PubMed 25086479 (cited by Athena Diagnostics); PubMed 24111713 (cited by Athena Diagnostics); PubMed 28971120 (cited by Athena Diagnostics); PubMed 24510615 (cited by Athena Diagnostics); PubMed 18929575 (cited by 4 submitters); PubMed 27600940 (cited by Athena Diagnostics); PubMed 23197398 (cited by Athena Diagnostics); PubMed 16181148 (cited by 3 submitters); PubMed 19150014 (cited by Illumina Laboratory Services, Illumina); PubMed 21839045 (cited by Illumina Laboratory Services, Illumina).

NM_000256.3(MYBPC3):c.2992C>G (p.Gln998Glu)

Gene: MYBPC3 (myosin binding protein C3; minus strand). Cytogenetic location: 11p11.2.
Variant type: single nucleotide variant.
Coding change: c.2992C>G on transcript NM_000256.3 (MANE Select); coding-DNA position 2992, C replaced by G.
Protein change: p.Gln998Glu; replaces glutamine 998 with glutamic acid.
Molecular consequence: missense variant.
Genome position (GRCh38, 1-based): chr11:47,333,924, G>C on the plus strand (C>G on the coding strand, the complement: MYBPC3 is on the minus strand). VCF-style: chr11-47333924-G-C. GRCh37 (hg19) VCF-style: chr11-47355475-G-C.
Other names: short protein forms Q998E.
Identifiers: ClinVar variation 36610 (VCV000036610.61), dbSNP rs11570112, ClinGen allele CA013257.
Genomic context (GRCh38, chr11:47,333,924, plus strand): 5'-GGGAACAACACACTATAGCCTCTCTCCCCTGGGGGACAGGGAAGGGGGCCAGTCCCACCT[G>C]GAAAGGGATGAGAAGGTTCACAGGCTCCCCGACCTTCTTCTGAATGGTCTGGCGCAGGTG-3'
Protein context (NP_000247.2, residues 988-1008): GEPVNLLIPF[Gln998Glu]GKPRPQVTWT